The following is an entry in ClinVar:

ClinVar aggregate classification (germline): Uncertain significance (1 of 4 stars; one submission).

Conditions:
T-cell immunodeficiency, congenital alopecia, and nail dystrophy. Also called: Congenital alopecia and nail dystrophy associated with severe functional T-cell immunodeficiency; Pignata Guarino syndrome. Identifiers: Orphanet 169095, MedGen C1866426, MONDO:0011132, OMIM 601705.

Allele frequency attached by ClinVar (database versions not stated): TOPMed 0.00009; gnomAD 0.00012 and 0.00013; ESP Exome Variant Server 0.00023.
gnomAD v4.1: 327 of 1,613,450 alleles (0.02%); highest among the groups gnomAD compares: Non-Finnish European, 0.027%; no homozygotes.

Submission:

Labcorp Genetics (formerly Invitae), Labcorp
Classification: Uncertain significance for T-cell immunodeficiency, congenital alopecia, and nail dystrophy. Last evaluated: 2024-11-27. Review status: criteria provided, single submitter. Criteria: Invitae Variant Classification Sherloc (09022015). Collection method: clinical testing. Allele origin: germline.
Comment: This sequence change replaces glycine, which is neutral and non-polar, with aspartic acid, which is acidic and polar, at codon 393 of the FOXN1 protein (p.Gly393Asp). This variant is present in population databases (rs370498747, gnomAD 0.02%). This variant has not been reported in the literature in individuals affected with FOXN1-related conditions. ClinVar contains an entry for this variant (Variation ID: 648094). Invitae Evidence Modeling of protein sequence and biophysical properties (such as structural, functional, and spatial information, amino acid conservation, physicochemical variation, residue mobility, and thermodynamic stability) indicates that this missense variant is not expected to disrupt FOXN1 protein function with a negative predictive value of 80%. In summary, the available evidence is currently insufficient to determine the role of this variant in disease. Therefore, it has been classified as a Variant of Uncertain Significance.

NM_001369369.1(FOXN1):c.1178G>A (p.Gly393Asp)

Gene: FOXN1 (forkhead box N1; plus strand). Cytogenetic location: 17q11.2.
Variant type: single nucleotide variant.
Coding change: c.1178G>A on transcript NM_001369369.1 (MANE Select); coding-DNA position 1178, G replaced by A.
Protein change: p.Gly393Asp; replaces glycine 393 with aspartic acid.
Molecular consequence: missense variant.
Genome position (GRCh38, 1-based): chr17:28,534,749, G>A. VCF-style: chr17-28534749-G-A. GRCh37 (hg19) VCF-style: chr17-26861767-G-A.
Other names: c.1178G>A, p.Gly393Asp (NM_003593.3); short protein forms G393D.
Identifiers: ClinVar variation 648094 (VCV000648094.6), dbSNP rs370498747, ClinGen allele CA8459466.